The following is an entry in ClinVar:

ClinVar aggregate classification (germline): Uncertain significance. Review status: criteria provided, multiple submitters, no conflicts (2 of 4 stars). 2 submissions from 2 submitters: Uncertain significance (2). Last evaluated 2025-03-29.

Conditions:
Hereditary cancer-predisposing syndrome. Also called: Neoplastic Syndromes, Hereditary; Tumor predisposition; Hereditary Cancer Syndrome; Hereditary neoplastic syndrome. Identifiers: Orphanet 140162, MedGen C0027672, MeSH D009386, MONDO:0015356.
Neurofibromatosis, type 2 (SWNV). Also called: BILATERAL ACOUSTIC NEUROFIBROMATOSIS; SCHWANNOMATOSIS, VESTIBULAR; NF2-Related Schwannomatosis. Identifiers: Orphanet 637, MedGen C0027832, MONDO:0007039, OMIM 101000. Disease mechanism: loss of function.

Submissions (2):

Ambry Genetics
Classification: Uncertain significance for Hereditary cancer-predisposing syndrome. Last evaluated: 2025-03-29. Review status: criteria provided, single submitter. Criteria: Ambry Variant Classification Scheme 2023. Collection method: clinical testing. Allele origin: germline.
Comment: The p.Q456E variant (also known as c.1366C>G), located in coding exon 13 of the NF2 gene, results from a C to G substitution at nucleotide position 1366. The glutamine at codon 456 is replaced by glutamic acid, an amino acid with highly similar properties. This amino acid position is conserved. In addition, the in silico prediction for this alteration is inconclusive. Based on the available evidence, the clinical significance of this variant remains unclear.

Labcorp Genetics (formerly Invitae), Labcorp
Classification: Uncertain significance for Neurofibromatosis, type 2. Last evaluated: 2019-07-26. Review status: criteria provided, single submitter. Criteria: Invitae Variant Classification Sherloc (09022015). Collection method: clinical testing. Allele origin: germline.
Comment: Algorithms developed to predict the effect of missense changes on protein structure and function are either unavailable or do not agree on the potential impact of this missense change (SIFT: "Tolerated"; PolyPhen-2: "Possibly Damaging"; Align-GVGD: "Class C0"). In summary, the available evidence is currently insufficient to determine the role of this variant in disease. Therefore, it has been classified as a Variant of Uncertain Significance. This variant has not been reported in the literature in individuals with NF2-related conditions. This variant is not present in population databases (ExAC no frequency). This sequence change replaces glutamine with glutamic acid at codon 456 of the NF2 protein (p.Gln456Glu). The glutamine residue is highly conserved and there is a small physicochemical difference between glutamine and glutamic acid.

NM_000268.4(NF2):c.1366C>G (p.Gln456Glu)

Gene: NF2 (NF2, moesin-ezrin-radixin like (MERLIN) tumor suppressor; plus strand). Cytogenetic location: 22q12.2.
Variant type: single nucleotide variant.
Coding change: c.1366C>G on transcript NM_000268.4 (MANE Select); coding-DNA position 1366, C replaced by G.
Protein change: p.Gln456Glu; replaces glutamine 456 with glutamic acid.
Molecular consequence: missense variant. On other transcripts: non-coding transcript variant (1), intron variant (1).
Genome position (GRCh38, 1-based): chr22:29,674,861, C>G. VCF-style: chr22-29674861-C-G. GRCh37 (hg19) VCF-style: chr22-30070850-C-G.
Other names: c.1366C>G, p.Gln456Glu (NM_016418.5, NM_181825.3, NM_181832.3); c.1240C>G, p.Gln414Glu (NM_181828.3); c.1243C>G, p.Gln415Glu (NM_181829.3); c.1117C>G, p.Gln373Glu (NM_181830.3, NM_181831.3); c.448-19891C>G (NM_181833.3); short protein forms Q414E, Q373E, Q456E, Q415E.
Identifiers: ClinVar variation 935884 (VCV000935884.11), dbSNP rs867419294, ClinGen allele CA411148890.